The following is an entry in ClinVar:

ClinVar aggregate classification (germline): Uncertain significance (1 of 4 stars; one submission).

Conditions:
Leigh syndrome (NULS). Also called: Leigh's necrotizing encephalopathy; Leigh's disease; Leigh Syndrome (mtDNA deletion); Leigh Disease; Subacute necrotizing encephalopathy; Necrotizing encephalopathy infantile subacute of Leigh. Identifiers: Orphanet 506, MedGen C2931891, MONDO:0009723, OMIM 256000.

Submission:

Wong Mito Lab, Molecular and Human Genetics, Baylor College of Medicine
Classification: Uncertain significance for Leigh syndrome. Last evaluated: 2019-10-17. Review status: criteria provided, single submitter. Criteria: Modified ACMG Guidelines (Unpublished). Collection method: clinical testing. Allele origin: germline.
Comment: The NC_012920.1:m.8731T>A (YP_003024031.1:p.Ser69Thr) variant in MTATP6 gene is interpretated to be a Uncertain Significance variant based on the modified ACMG guidelines (unpublished). This variant meets the following evidence codes: PP7, BS4

NC_012920.1(MT-ATP6):m.8731T>A

Gene: MT-ATP6 (mitochondrially encoded ATP synthase 6; plus strand).
Variant type: single nucleotide variant.
Genome position: chrM-8731-T-A.
Identifiers: ClinVar variation 692968 (VCV000692968.1), dbSNP rs1603221746, ClinGen allele CA414797723.